The following is an entry in ClinVar:

ClinVar aggregate classification (germline): Benign (0 of 4 stars; one submission).

Conditions:
LRP1B-related disorder. Also called: LRP1B-related condition.

Allele frequency attached by ClinVar (database versions not stated): ESP Exome Variant Server 0.00008; gnomAD exomes 0.00131; gnomAD 0.00223; TOPMed 0.00241; ExAC 0.00432; 1000 Genomes Project 30x 0.01327; 1000 Genomes Project 0.01418.
gnomAD v4.1: 2,403 of 1,602,490 alleles (0.15%); highest among the groups gnomAD compares: East Asian, 4.3%; 68 homozygotes.

Submission:

PreventionGenetics, part of Exact Sciences
Classification: Benign for LRP1B-related condition. Last evaluated: 2019-10-17. Review status: no assertion criteria provided. Collection method: clinical testing. Allele origin: germline.
Comment: This variant is classified as benign based on ACMG/AMP sequence variant interpretation guidelines (Richards et al. 2015 PMID: 25741868, with internal and published modifications).

NM_018557.3(LRP1B):c.8850+3A>G

Gene: LRP1B (LDL receptor related protein 1B; minus strand). Cytogenetic location: 2q22.1.
Variant type: single nucleotide variant.
Coding change: c.8850+3A>G on transcript NM_018557.3 (MANE Select); 3 bases into the intron after coding-DNA position 8850, A replaced by G.
Molecular consequence: intron variant.
Genome position (GRCh38, 1-based): chr2:140,501,684, T>C on the plus strand (A>G on the coding strand, the complement: LRP1B is on the minus strand). VCF-style: chr2-140501684-T-C. GRCh37 (hg19) VCF-style: chr2-141259253-T-C.
Identifiers: ClinVar variation 3059380 (VCV003059380.2), dbSNP rs117225004, ClinGen allele CA1893850.
Genomic context (GRCh38, chr2:140,501,684, plus strand): 5'-ATAGCTTTCTTAACCTCCAATTCTAATGTATCGTATGATTTGCTACTTTTGATGAGTACC[T>C]ACCTTATAACTGACCGGAAGGTCTTGACAGTCTTGAGAACATCCACTGACTTTCTTACTC-3'